The following is an entry in ClinVar:

ClinVar aggregate classification (germline): Conflicting classifications of pathogenicity. Review status: criteria provided, conflicting classifications (1 of 4 stars). 7 submissions from 7 submitters: Uncertain significance (2); Likely benign (3). 2 of the submissions do not count toward it. Last evaluated 2026-07-16.

Conditions:
TTN-related disorder. Also called: TTN-related condition; TTN-related disease; TTN-related disorders.

Allele frequency attached by ClinVar (database versions not stated): gnomAD 0.00004 and 0.00005; TOPMed 0.00005; gnomAD exomes 0.00007; ExAC 0.00008; 1000 Genomes Project 0.00020; ESP Exome Variant Server 0.00025; 1000 Genomes Project 30x 0.00031.
gnomAD v4.1: 84 of 1,613,240 alleles (0.0052%); highest among the groups gnomAD compares: Non-Finnish European, 0.0067%; no homozygotes.

Submissions (7):

PreventionGenetics, part of Exact Sciences
Classification: Uncertain significance for TTN-related condition. Last evaluated: 2026-07-16. Review status: criteria provided, single submitter. Criteria: ACMG Guidelines, 2015. Collection method: clinical testing. Allele origin: germline.
Comment: The TTN c.42847C>T variant is predicted to result in the amino acid substitution p.Arg14283Cys. To our knowledge, this variant has not been reported in the literature. This variant is reported in 0.014% of alleles in individuals of European (Non-Finnish) descent in gnomAD. At this time, the clinical significance of this variant is uncertain due to the absence of conclusive functional and genetic evidence.

Molecular Diagnostic Laboratory for Inherited Cardiovascular Disease, Montreal Heart Institute
Classification: Likely benign. Last evaluated: 2025-04-09. Review status: criteria provided, single submitter. Criteria: ACMG Guidelines, 2015. Collection method: clinical testing. Allele origin: germline. Affected: no.

Revvity Omics, Revvity
Classification: Uncertain significance. Last evaluated: 2024-07-16. Review status: criteria provided, single submitter. Criteria: ACMG Guidelines, 2015. Collection method: clinical testing. Allele origin: germline.

CeGaT Center for Human Genetics Tuebingen
Classification: Likely benign. Last evaluated: 2023-05-01. Review status: criteria provided, single submitter. Criteria: CeGaT Center For Human Genetics Tuebingen Variant Classification Criteria Version 2. Collection method: clinical testing. Allele origin: germline. Affected: yes. Observed: 3 variant alleles.
Comment: TTN: BP4

GeneDx
Classification: Likely benign. Last evaluated: 2021-03-09. Review status: criteria provided, single submitter. Criteria: GeneDx Variant Classification Process June 2021. Collection method: clinical testing. Allele origin: germline. Affected: yes.

Clinical Genetics, Academic Medical Center
Classification: Uncertain significance. Review status: no assertion criteria provided. Collection method: clinical testing. Allele origin: germline. Affected: yes. Study: VKGL Data-share Consensus. Not counted in ClinVar's aggregate classification.

Diagnostic Laboratory, Department of Genetics, University Medical Center Groningen
Classification: Uncertain significance. Review status: no assertion criteria provided. Collection method: clinical testing. Allele origin: germline. Affected: yes. Study: VKGL Data-share Consensus. Not counted in ClinVar's aggregate classification.

NM_001267550.2(TTN):c.42847C>T (p.Arg14283Cys)

Gene: TTN (titin; minus strand). Cytogenetic location: 2q31.2.
Variant type: single nucleotide variant.
Coding change: c.42847C>T on transcript NM_001267550.2 (MANE Select); coding-DNA position 42847, C replaced by T.
Protein change: p.Arg14283Cys; replaces arginine 14283 with cysteine.
Molecular consequence: missense variant.
Genome position (GRCh38, 1-based): chr2:178,633,512, G>A on the plus strand (C>T on the coding strand, the complement: TTN is on the minus strand). VCF-style: chr2-178633512-G-A. GRCh37 (hg19) VCF-style: chr2-179498239-G-A.
Other names: c.37924C>T, p.Arg12642Cys (NM_001256850.1); c.15652C>T, p.Arg5218Cys (NM_003319.4); c.35143C>T, p.Arg11715Cys (NM_133378.4); c.16027C>T, p.Arg5343Cys (NM_133432.3); c.16228C>T, p.Arg5410Cys (NM_133437.4); short protein forms R11715C, R12642C, R14283C, R5218C, R5343C, R5410C.
Identifiers: ClinVar variation 1206615 (VCV001206615.34), dbSNP rs199684560, ClinGen allele CA1996009.
Genomic context (GRCh38, chr2:178,633,512, plus strand): 5'-AGTCACACACATATTCGCCTTTATCTTTAAGGTCCGCCTTTTTGATTTTTAAGATGCGGC[G>A]CAGGCCATCTGCCTTGATAGAATATTTGGGTGAAGGGACAATCTCTTCACCATCTTTGAA-3'
Protein context (NP_001254479.2, residues 14273-14293): PKYSIKADGL[Arg14283Cys]RILKIKKADL